The following is an entry in ClinVar:

ClinVar aggregate classification (germline): Benign. Review status: criteria provided, multiple submitters, no conflicts (2 of 4 stars). 7 submissions from 6 submitters: Benign (7). Last evaluated 2026-02-04.

Conditions:
Epithelial recurrent erosion dystrophy (ERED). Also called: CORNEAL EROSIONS, RECURRING HEREDITARY. Identifiers: Orphanet 293381, MedGen C1852551, MONDO:0007381, OMIM 122400.
Junctional epidermolysis bullosa, non-Herlitz type. Also called: Adult junctional epidermolysis bullosa; COL17A1-Related Junctional Epidermolysis Bullosa; Epidermolysis bullosa, junctional, non-herlitz type, somatic mosaic revertant; EPIDERMOLYSIS BULLOSA JUNCTIONALIS, DISENTIS TYPE; EPIDERMOLYSIS BULLOSA JUNCTIONALIS, NON-HERLITZ TYPE; EPIDERMOLYSIS BULLOSA JUNCTIONALIS, PROGRESSIVE. Identifiers: Orphanet 251393, Orphanet 79402, Orphanet 79405, Orphanet 89840, MedGen C0268374, MONDO:0009180, OMIM 226650.

Allele frequency attached by ClinVar (database versions not stated): 1000 Genomes Project 30x 0.68379; 1000 Genomes Project 0.69369; ESP Exome Variant Server 0.71905; TOPMed 0.72436; gnomAD 0.72600; ExAC 0.78034.
gnomAD v4.1: 1,293,597 of 1,613,354 alleles (80%); highest among the groups gnomAD compares: Non-Finnish European, 83%; 522,823 homozygotes.

Submissions (7):

Labcorp Genetics (formerly Invitae), Labcorp
Classification: Benign. Last evaluated: 2026-02-04. Review status: criteria provided, single submitter. Criteria: Invitae Variant Classification Sherloc (09022015). Collection method: clinical testing. Allele origin: germline.

Genome-Nilou Lab
Classification: Benign for Junctional epidermolysis bullosa, non-Herlitz type. Last evaluated: 2021-07-22. Review status: criteria provided, single submitter. Criteria: ACMG Guidelines, 2015. Collection method: clinical testing. Allele origin: germline. Affected: no.

Genome-Nilou Lab
Classification: Benign for Epithelial recurrent erosion dystrophy. Last evaluated: 2021-07-22. Review status: criteria provided, single submitter. Criteria: ACMG Guidelines, 2015. Collection method: clinical testing. Allele origin: germline. Affected: no.

Illumina Laboratory Services, Illumina
Classification: Benign for Junctional epidermolysis bullosa, non-Herlitz type. Last evaluated: 2018-01-12. Review status: criteria provided, single submitter. Criteria: ICSL Variant Classification Criteria 13 December 2019. Collection method: clinical testing. Allele origin: germline.
Comment: This variant was observed in the ICSL laboratory as part of a predisposition screen in an ostensibly healthy population. It had not been previously curated by ICSL or reported in the Human Gene Mutation Database (HGMD: prior to June 1st, 2018), and was therefore a candidate for classification through an automated scoring system. Utilizing variant allele frequency, disease prevalence and penetrance estimates, and inheritance mode, an automated score was calculated to assess if this variant is too frequent to cause the disease. Based on the score and internal cut-off values, a variant classified as benign is not then subjected to further curation. The score for this variant resulted in a classification of benign for this disease.

GeneDx
Classification: Benign. Last evaluated: 2015-03-03. Review status: criteria provided, single submitter. Criteria: GeneDx Variant Classification Process June 2021. Collection method: clinical testing. Allele origin: germline. Affected: yes.

Breakthrough Genomics
Classification: Benign. Review status: criteria provided, single submitter. Criteria: ACMG Guidelines, 2015. Collection method: not provided. Allele origin: germline. Inheritance: Autosomal recessive inheritance. Affected: yes.

PreventionGenetics, part of Exact Sciences
Classification: Benign. Review status: criteria provided, single submitter. Criteria: ACMG Guidelines, 2015. Collection method: clinical testing. Allele origin: germline.

NM_000494.4(COL17A1):c.2107A>G (p.Met703Val)

Gene: COL17A1 (collagen type XVII alpha 1 chain; minus strand). Cytogenetic location: 10q25.1.
Variant type: single nucleotide variant.
Coding change: c.2107A>G on transcript NM_000494.4 (MANE Select); coding-DNA position 2107, A replaced by G.
Protein change: p.Met703Val; replaces methionine 703 with valine.
Molecular consequence: missense variant.
Genome position (GRCh38, 1-based): chr10:104,050,642, T>C on the plus strand (A>G on the coding strand, the complement: COL17A1 is on the minus strand). VCF-style: chr10-104050642-T-C. GRCh37 (hg19) VCF-style: chr10-105810400-T-C.
Other names: c.2107A>G, p.Met703Val (LRG_1249t1); short protein forms M703V.
Identifiers: ClinVar variation 256267 (VCV000256267.20), dbSNP rs805722, ClinGen allele CA5678696.